The following is an entry in ClinVar:

NM_001379659.1(ZNF142):c.266C>T (p.Pro89Leu)

Gene: ZNF142 (zinc finger protein 142; minus strand). Cytogenetic location: 2q35.
Variant type: single nucleotide variant.
Coding change: c.266C>T on transcript NM_001379659.1 (MANE Select); coding-DNA position 266, C replaced by T.
Protein change: p.Pro89Leu; replaces proline 89 with leucine.
Molecular consequence: missense variant.
Genome position (GRCh38, 1-based): chr2:218,656,164, G>A on the plus strand (C>T on the coding strand, the complement: ZNF142 is on the minus strand). VCF-style: chr2-218656164-G-A. GRCh37 (hg19) VCF-style: chr2-219520887-G-A.
Other names: c.266C>T, p.Pro89Leu (NM_001105537.5, NM_001366290.3, NM_001366291.3 and 7 more transcripts); c.-346C>T (NM_001366287.3, NM_001366288.3, NM_001366289.3); short protein forms P89L.
Identifiers: ClinVar variation 3391697 (VCV003391697.3).
Genomic context (GRCh38, chr2:218,656,164, plus strand): 5'-CTCAGAGCTGCTTGTCCCACTGGCCTGCTTGCAACTGTGTTTGTACCTGGGGTCTCTCCA[G>A]GAGCACCTGGGGTCAGGGTTCCAGCTACTGTCTCCACAATGATCTCCATGTTCCCTGGTC-3'
Protein context (NP_001366588.1, residues 79-99): TVAGTLTPGA[Pro89Leu]GETPGVLVKV

ClinVar aggregate classification (germline): Uncertain significance. Review status: criteria provided, multiple submitters, no conflicts (2 of 4 stars). 2 submissions from 2 submitters: Uncertain significance (2). Last evaluated 2025-06-13.

Conditions:
Inborn genetic diseases. Identifiers: MedGen C0950123, MeSH D030342.

gnomAD v4.1: 21 of 1,595,650 alleles (0.0013%); highest among the groups gnomAD compares: African/African-American, 0.024%; no homozygotes.

Submissions (2):

GeneDx
Classification: Uncertain significance. Last evaluated: 2025-06-13. Review status: criteria provided, single submitter. Criteria: GeneDx Variant Classification Process June 2021. Collection method: clinical testing. Allele origin: germline.
Comment: In silico analysis suggests that this missense variant does not alter protein structure/function; Has not been previously published as pathogenic or benign to our knowledge

Ambry Genetics
Classification: Uncertain significance for Inborn genetic diseases. Last evaluated: 2025-05-01. Review status: criteria provided, single submitter. Criteria: Ambry Variant Classification Scheme 2023. Collection method: clinical testing. Allele origin: germline.